The following is an entry in ClinVar:

NM_000701.8(ATP1A1):c.701A>G (p.Glu234Gly)

Gene: ATP1A1 (ATPase Na+/K+ transporting subunit alpha 1; plus strand). Cytogenetic location: 1p13.1.
Variant type: single nucleotide variant.
Coding change: c.701A>G on transcript NM_000701.8 (MANE Select); coding-DNA position 701, A replaced by G.
Protein change: p.Glu234Gly; replaces glutamic acid 234 with glycine.
Molecular consequence: missense variant.
Genome position (GRCh38, 1-based): chr1:116,388,966, A>G. VCF-style: chr1-116388966-A-G. GRCh37 (hg19) VCF-style: chr1-116931588-A-G.
Other names: c.701A>G, p.Glu234Gly (NM_001160233.2); c.608A>G, p.Glu203Gly (NM_001160234.2); short protein forms E203G, E234G.
Identifiers: ClinVar variation 2972350 (VCV002972350.3), dbSNP rs775902817, ClinGen allele CA1025169.

ClinVar aggregate classification (germline): Uncertain significance (1 of 4 stars; one submission).

Allele frequency attached by ClinVar (database versions not stated): ExAC 0.00001; gnomAD 0.00001; gnomAD exomes 0.00001; TOPMed 0.00001.
gnomAD v4.1: 5 of 1,614,114 alleles (0.00031%); highest among the groups gnomAD compares: Admixed American, 0.0083%; no homozygotes.

Submission:

Labcorp Genetics (formerly Invitae), Labcorp
Classification: Uncertain significance. Last evaluated: 2024-08-29. Review status: criteria provided, single submitter. Criteria: Invitae Variant Classification Sherloc (09022015). Collection method: clinical testing. Allele origin: germline.
Comment: This sequence change replaces glutamic acid, which is acidic and polar, with glycine, which is neutral and non-polar, at codon 234 of the ATP1A1 protein (p.Glu234Gly). This variant is present in population databases (rs775902817, gnomAD 0.01%). This variant has not been reported in the literature in individuals affected with ATP1A1-related conditions. Invitae Evidence Modeling of protein sequence and biophysical properties (such as structural, functional, and spatial information, amino acid conservation, physicochemical variation, residue mobility, and thermodynamic stability) indicates that this missense variant is not expected to disrupt ATP1A1 protein function with a negative predictive value of 80%. In summary, the available evidence is currently insufficient to determine the role of this variant in disease. Therefore, it has been classified as a Variant of Uncertain Significance.